The following is an entry in ClinVar:

NM_001080.3(ALDH5A1):c.932C>G (p.Ala311Gly)

Gene: ALDH5A1 (aldehyde dehydrogenase 5 family member A1; plus strand). Cytogenetic location: 6p22.3.
Variant type: single nucleotide variant.
Coding change: c.932C>G on transcript NM_001080.3 (MANE Select); coding-DNA position 932, C replaced by G.
Protein change: p.Ala311Gly; replaces alanine 311 with glycine.
Molecular consequence: missense variant.
Genome position (GRCh38, 1-based): chr6:24,520,462, C>G. VCF-style: chr6-24520462-C-G. GRCh37 (hg19) VCF-style: chr6-24520690-C-G.
Other names: c.788C>G, p.Ala263Gly (NM_001368954.1); c.971C>G, p.Ala324Gly (NM_170740.1); short protein forms A324G, A263G, A311G.
Identifiers: ClinVar variation 1402552 (VCV001402552.8), dbSNP rs752467613, ClinGen allele CA3656799.

ClinVar aggregate classification (germline): Uncertain significance (1 of 4 stars; one submission).

Conditions:
Succinate-semialdehyde dehydrogenase deficiency (SSADHD). Also called: Succinic Semialdehyde Dehydrogenase Deficiency; SSADH DEFICIENCY; 4-HYDROXYBUTYRIC ACIDURIA; GABA METABOLIC DEFECT. Identifiers: Orphanet 22, MedGen C0268631, MONDO:0010083, OMIM 271980.

Allele frequency attached by ClinVar (database versions not stated): gnomAD exomes below 0.00001; ExAC 0.00001.

Submission:

Labcorp Genetics (formerly Invitae), Labcorp
Classification: Uncertain significance for Succinate-semialdehyde dehydrogenase deficiency. Last evaluated: 2021-05-16. Review status: criteria provided, single submitter. Criteria: Invitae Variant Classification Sherloc (09022015). Collection method: clinical testing. Allele origin: germline.
Comment: In summary, the available evidence is currently insufficient to determine the role of this variant in disease. Therefore, it has been classified as a Variant of Uncertain Significance. Algorithms developed to predict the effect of missense changes on protein structure and function (SIFT, PolyPhen-2, Align-GVGD) all suggest that this variant is likely to be disruptive, but these predictions have not been confirmed by published functional studies and their clinical significance is uncertain. This variant has not been reported in the literature in individuals with ALDH5A1-related conditions. The frequency data for this variant in the population databases is considered unreliable, as metrics indicate poor data quality at this position in the ExAC database. This sequence change replaces alanine with glycine at codon 311 of the ALDH5A1 protein (p.Ala311Gly). The alanine residue is highly conserved and there is a small physicochemical difference between alanine and glycine.